The following is an entry in ClinVar:

NM_018292.5(QRSL1):c.1495C>T (p.Gln499Ter)

Gene: QRSL1 (glutaminyl-tRNA amidotransferase subunit QRSL1; plus strand). Cytogenetic location: 6q21.
Variant type: single nucleotide variant.
Coding change: c.1495C>T on transcript NM_018292.5 (MANE Select); coding-DNA position 1495, C replaced by T.
Protein change: p.Gln499Ter; replaces glutamine 499 with a stop codon.
Molecular consequence: nonsense.
Genome position (GRCh38, 1-based): chr6:106,665,910, C>T. VCF-style: chr6-106665910-C-T. GRCh37 (hg19) VCF-style: chr6-107113785-C-T.
Other names: short protein forms Q499*.
Identifiers: ClinVar variation 3242046 (VCV003242046.1), dbSNP rs761431931.

ClinVar aggregate classification (germline): Uncertain significance (1 of 4 stars; one submission).

Conditions:
Combined oxidative phosphorylation deficiency 40. Identifiers: Orphanet 570491, MedGen C5394232, MONDO:0030006, OMIM 618835.

Allele frequency attached by ClinVar (database versions not stated): TOPMed below 0.00001; gnomAD exomes 0.00001; ExAC 0.00003.
gnomAD v4.1: 9 of 1,613,932 alleles (0.00056%); highest among the groups gnomAD compares: South Asian, 0.0088%; no homozygotes.

Submission:

Neuberg Centre For Genomic Medicine, NCGM
Classification: Uncertain significance for Combined oxidative phosphorylation deficiency 40. Review status: criteria provided, single submitter. Criteria: ACMG Guidelines, 2015. Collection method: clinical testing. Allele origin: germline. Inheritance: Autosomal recessive inheritance. Affected: yes.
Comment: The observed stop gained c.1495C>T(p.Gln499Ter) variant in QRSL1 gene has not been reported previously as a pathogenic variant nor a benign variant, to our knowledge. The c.1495C>T variant has been reported with allele frequency of 0.001% in gnomAD Exomes. This variant has not been submitted to the ClinVar database. The nucleotide change c.1495C>T in QRSL1 is predicted as conserved by GERP++ and PhyloP across 100 vertebrates. Loss of function variants have been previously reported to be disease causing. However, since this variant is present in the last exon, functional studies will be required to prove protein truncation. Hence the variant is classified as a Variant of Uncertain Significance (VUS).